The following is an entry in ClinVar:

NM_014871.6(PAN2):c.508C>T (p.Leu170Phe)

Gene: PAN2 (poly(A) specific ribonuclease subunit PAN2; minus strand). Cytogenetic location: 12q13.3.
Variant type: single nucleotide variant.
Coding change: c.508C>T on transcript NM_014871.6 (MANE Select); coding-DNA position 508, C replaced by T.
Protein change: p.Leu170Phe; replaces leucine 170 with phenylalanine.
Molecular consequence: missense variant.
Genome position (GRCh38, 1-based): chr12:56,328,303, G>A on the plus strand (C>T on the coding strand, the complement: PAN2 is on the minus strand). VCF-style: chr12-56328303-G-A. GRCh37 (hg19) VCF-style: chr12-56722087-G-A.
Other names: c.508C>T, p.Leu170Phe (NM_001127460.4, NM_001166279.3, NM_001394699.1 and 8 more transcripts); c.91C>T, p.Leu31Phe (NM_001394708.1); short protein forms L31F, L170F.
Identifiers: ClinVar variation 4564311 (VCV004564311.3).

ClinVar aggregate classification (germline): Uncertain significance. Review status: criteria provided, multiple submitters, no conflicts (2 of 4 stars). 2 submissions from 2 submitters: Uncertain significance (2). Last evaluated 2026-10-20.

gnomAD v4.1: 8 of 1,609,924 alleles (0.0005%); highest among the groups gnomAD compares: Non-Finnish European, 0.00068%; no homozygotes.

Submissions (2):

GeneDx
Classification: Uncertain significance. Last evaluated: 2026-10-20. Review status: criteria provided, single submitter. Criteria: GeneDx Variant Classification Process June 2021. Collection method: clinical testing. Allele origin: germline.
Comment: Not observed at significant frequency in large population cohorts (gnomAD); In silico analysis supports that this missense variant has a deleterious effect on protein structure/function; Has not been previously published as pathogenic or benign to our knowledge

Ambry Genetics
Classification: Uncertain significance. Last evaluated: 2025-12-11. Review status: criteria provided, single submitter. Criteria: Ambry Variant Classification Scheme 2023. Collection method: clinical testing. Allele origin: germline.